The following is an entry in ClinVar:

ClinVar aggregate classification (germline): Uncertain significance. Review status: criteria provided, single submitter (1 of 4 stars). 2 submissions from 2 submitters: Uncertain significance (1). 1 of the submissions does not count toward it. Last evaluated 2024-03-05.

Conditions:
RYR1-related disorder. Also called: RYR1-related condition; RYR1-related disorders. Identifiers: MedGen CN239331.
Malignant hyperthermia, susceptibility to, 1 (MHS1). Also called: RYR1-Related Malignant Hyperthermia Susceptibility; Anesthesia related hyperthermia; Malignant hyperpyrexia; Fulminating hyperpyrexia; Pharmacogenic myopathy; Malignant hyperthermia suceptibility 1. Identifiers: Orphanet 423, MedGen C2930980, MONDO:0007783, OMIM 145600.

Allele frequency attached by ClinVar (database versions not stated): gnomAD exomes below 0.00001; gnomAD 0.00001.
gnomAD v4.1: 3 of 1,614,118 alleles (0.00019%); highest among the groups gnomAD compares: East Asian, 0.0022%; no homozygotes.

Submissions (2):

All of Us Research Program, National Institutes of Health
Classification: Uncertain significance for Malignant hyperthermia, susceptibility to, 1. Last evaluated: 2024-03-05. Review status: criteria provided, single submitter. Criteria: ACMG Guidelines, 2015. Collection method: clinical testing. Allele origin: germline. Inheritance: Autosomal dominant inheritance. Observed: 1 variant allele, 1 heterozygote.
Comment: This study involves interpretation of variants in research participants for the purpose of population health screening. Participant phenotype was not available at the time of variant classification. Additional details can be found in publication PMID: 35346344, PMCID: PMC8962531

PreventionGenetics, part of Exact Sciences
Classification: Uncertain significance for RYR1-related condition. Last evaluated: 2024-01-26. Review status: no assertion criteria provided. Collection method: clinical testing. Allele origin: germline. Not counted in ClinVar's aggregate classification.
Comment: The RYR1 c.10108G>A variant is predicted to result in the amino acid substitution p.Gly3370Arg. To our knowledge, this variant has not been reported in the literature. This variant is reported in 0.011% of alleles in individuals of East Asian descent in gnomAD. At this time, the clinical significance of this variant is uncertain due to the absence of conclusive functional and genetic evidence.

NM_000540.3(RYR1):c.10108G>A (p.Gly3370Arg)

Gene: RYR1 (ryanodine receptor 1; plus strand). Cytogenetic location: 19q13.2.
Variant type: single nucleotide variant.
Coding change: c.10108G>A on transcript NM_000540.3 (MANE Select); coding-DNA position 10108, G replaced by A.
Protein change: p.Gly3370Arg; replaces glycine 3370 with arginine.
Molecular consequence: missense variant.
Genome position (GRCh38, 1-based): chr19:38,519,303, G>A. VCF-style: chr19-38519303-G-A. GRCh37 (hg19) VCF-style: chr19-39009943-G-A.
Other names: c.10108G>A, p.Gly3370Arg (NM_001042723.2); short protein forms G3370R.
Identifiers: ClinVar variation 3061291 (VCV003061291.3), dbSNP rs1325887646, ClinGen allele CA405695243.